The following is an entry in ClinVar:

NM_001365536.1(SCN9A):c.1118_1119delinsGC (p.Ala373Gly)

Genes: SCN9A (sodium voltage-gated channel alpha subunit 9; minus strand), SCN1A-AS1 (SCN1A and SCN9A antisense RNA 1; plus strand). Cytogenetic location: 2q24.3.
Variant type: Indel.
Coding change: c.1118_1119delinsGC on transcript NM_001365536.1 (MANE Select); coding-DNA positions 1118 to 1119, CT replaced by GC.
Protein change: p.Ala373Gly; replaces alanine 373 with glycine.
Molecular consequence: missense variant.
Genome position (GRCh38, 1-based): chr2:166,288,632-166,288,633, AG replaced by GC on the plus strand (CT replaced by GC on the coding strand, the reverse complement: SCN9A is on the minus strand). VCF-style: chr2-166288632-AG-GC. GRCh37 (hg19) VCF-style: chr2-167145142-AG-GC.
Other names: c.1118_1119delCTinsGC, p.Ala373Gly (NM_002977.4); short protein forms A373G.
Identifiers: ClinVar variation 2940688 (VCV002940688.3), dbSNP rs2468048980, ClinGen allele CA2740095854.
Genomic context (GRCh38, chr2:166,288,632, plus strand): 5'-TAGATAAAAGGAGCCCAGGAAAATCACTACGACAAAGAAGATCATGTAGGTTTTGCCAGC[AG>GC]CACGCAGCGTCTAGGGAAAAATGGAAATTGTCATTTGAACAATAAAAAGTTTTTTTAGTA-3'
Protein context (NP_001352465.1, residues 363-383): WENLYQQTLR[Ala373Gly]AGKTYMIFFV

ClinVar aggregate classification (germline): Uncertain significance (1 of 4 stars; one submission).

Conditions:
Neuropathy, hereditary sensory and autonomic, type 2A (HSAN2A). Also called: ACROOSTEOLYSIS, GIACCAI TYPE; ACROOSTEOLYSIS, NEUROGENIC; MORVAN DISEASE; NEUROPATHY, CONGENITAL SENSORY; NEUROPATHY, HEREDITARY SENSORY RADICULAR, AUTOSOMAL RECESSIVE; NEUROPATHY, HEREDITARY SENSORY, TYPE IIA. Identifiers: Orphanet 970, MedGen C2752089, MONDO:0024309, OMIM 201300.
Generalized epilepsy with febrile seizures plus, type 7 (GEFSP7). Also called: GEFS+, TYPE 7. Identifiers: Orphanet 36387, MedGen C2751778, MONDO:0013470, OMIM 613863.

Submission:

Labcorp Genetics (formerly Invitae), Labcorp
Classification: Uncertain significance for Neuropathy, hereditary sensory and autonomic, type 2A; Generalized epilepsy with febrile seizures plus, type 7. Last evaluated: 2022-10-19. Review status: criteria provided, single submitter. Criteria: Invitae Variant Classification Sherloc (09022015). Collection method: clinical testing. Allele origin: germline.
Comment: Information on the frequency of this variant in the gnomAD database is not available, as this variant may be reported differently in the database. This sequence change replaces alanine, which is neutral and non-polar, with glycine, which is neutral and non-polar, at codon 373 of the SCN9A protein (p.Ala373Gly). This variant has not been reported in the literature in individuals affected with SCN9A-related conditions. Algorithms developed to predict the effect of missense changes on protein structure and function are either unavailable or do not agree on the potential impact of this missense change (SIFT: "Not Available"; PolyPhen-2: "Probably Damaging"; Align-GVGD: "Not Available"). In summary, the available evidence is currently insufficient to determine the role of this variant in disease. Therefore, it has been classified as a Variant of Uncertain Significance.